The following is an entry in ClinVar:

NM_001099274.3(TINF2):c.131T>C (p.Val44Ala)

Genes: TINF2 (TERF1 interacting nuclear factor 2; minus strand), LOC130055403 (ATAC-STARR-seq lymphoblastoid active region 8199; plus strand). Cytogenetic location: 14q12.
Variant type: single nucleotide variant.
Coding change: c.131T>C on transcript NM_001099274.3 (MANE Select); coding-DNA position 131, T replaced by C.
Protein change: p.Val44Ala; replaces valine 44 with alanine.
Molecular consequence: missense variant.
Genome position (GRCh38, 1-based): chr14:24,242,202, A>G on the plus strand (T>C on the coding strand, the complement: TINF2 is on the minus strand). VCF-style: chr14-24242202-A-G. GRCh37 (hg19) VCF-style: chr14-24711408-A-G.
Other names: p.Val44Ala; c.131T>C, p.Val44Ala (NM_001363668.2, NM_012461.3); short protein forms V44A.
Identifiers: ClinVar variation 2047435 (VCV002047435.5), dbSNP rs1282299077, ClinGen allele CA389235584.

ClinVar aggregate classification (germline): Uncertain significance. Review status: criteria provided, multiple submitters, no conflicts (2 of 4 stars). 2 submissions from 2 submitters: Uncertain significance (2). Last evaluated 2025-10-17.

Conditions:
Dyskeratosis congenita. Identifiers: Orphanet 1775, MedGen C0265965, MONDO:0015780.

Allele frequency attached by ClinVar (database versions not stated): gnomAD exomes below 0.00001.
gnomAD v4.1: 2 of 1,614,242 alleles (0.00012%); highest among the groups gnomAD compares: Admixed American, 0.0033%; no homozygotes.

Submissions (2):

Mayo Clinic Laboratories, Mayo Clinic
Classification: Uncertain significance. Last evaluated: 2025-10-17. Review status: criteria provided, single submitter. Criteria: ACMG Guidelines, 2015. Collection method: clinical testing. Allele origin: germline. Observed: 1 variant allele.
Comment: BP4_moderate, PM2_supporting

Labcorp Genetics (formerly Invitae), Labcorp
Classification: Uncertain significance for Dyskeratosis congenita. Last evaluated: 2022-09-25. Review status: criteria provided, single submitter. Criteria: Invitae Variant Classification Sherloc (09022015). Collection method: clinical testing. Allele origin: germline.
Comment: This variant has not been reported in the literature in individuals affected with TINF2-related conditions. Algorithms developed to predict the effect of missense changes on protein structure and function output the following: SIFT: "Tolerated"; PolyPhen-2: "Benign"; Align-GVGD: "Class C0". The alanine amino acid residue is found in multiple mammalian species, which suggests that this missense change does not adversely affect protein function. In summary, the available evidence is currently insufficient to determine the role of this variant in disease. Therefore, it has been classified as a Variant of Uncertain Significance. This variant is present in population databases (no rsID available, gnomAD 0.006%). This sequence change replaces valine, which is neutral and non-polar, with alanine, which is neutral and non-polar, at codon 44 of the TINF2 protein (p.Val44Ala).